The following is an entry in ClinVar:

NM_000179.3(MSH6):c.1964T>C (p.Leu655Ser)

Gene: MSH6 (mutS homolog 6; plus strand). Cytogenetic location: 2p16.3.
Variant type: single nucleotide variant.
Coding change: c.1964T>C on transcript NM_000179.3 (MANE Select); coding-DNA position 1964, T replaced by C.
Protein change: p.Leu655Ser; replaces leucine 655 with serine.
Molecular consequence: missense variant.
Genome position (GRCh38, 1-based): chr2:47,799,947, T>C. VCF-style: chr2-47799947-T-C. GRCh37 (hg19) VCF-style: chr2-48027086-T-C.
Other names: c.1574T>C, p.Leu525Ser (NM_001281492.2); c.1058T>C, p.Leu353Ser (NM_001281493.2, NM_001281494.2); short protein forms L353S, L655S, L525S.
Identifiers: ClinVar variation 1475817 (VCV001475817.11), dbSNP rs2104379257, ClinGen allele CA346750588.

ClinVar aggregate classification (germline): Uncertain significance. Review status: criteria provided, multiple submitters, no conflicts (2 of 4 stars). 3 submissions from 3 submitters: Uncertain significance (3). Last evaluated 2023-08-02.

Conditions:
Hereditary nonpolyposis colorectal neoplasms. Identifiers: MedGen C0009405, MeSH D003123.
Hereditary cancer-predisposing syndrome. Also called: Neoplastic Syndromes, Hereditary; Hereditary Cancer Syndrome; Tumor predisposition; Hereditary neoplastic syndrome. Identifiers: Orphanet 140162, MedGen C0027672, MeSH D009386, MONDO:0015356.
Endometrial carcinoma. Also called: Endometrial carcinoma, somatic. Identifiers: MedGen C0476089, MONDO:0002447, OMIM 608089, HP:0012114.

Allele frequency attached by ClinVar (database versions not stated): gnomAD exomes below 0.00001.
gnomAD v4.1: 1 of 1,614,176 alleles (0.000062%); highest among the groups gnomAD compares: South Asian, 0.0011%; no homozygotes.

Submissions (3):

Baylor Genetics
Classification: Uncertain significance for Endometrial carcinoma. Last evaluated: 2023-08-02. Review status: criteria provided, single submitter. Criteria: ACMG Guidelines, 2015. Collection method: clinical testing. Allele origin: unknown.

Labcorp Genetics (formerly Invitae), Labcorp
Classification: Uncertain significance for Hereditary nonpolyposis colorectal neoplasms. Last evaluated: 2023-06-27. Review status: criteria provided, single submitter. Criteria: Invitae Variant Classification Sherloc (09022015). Collection method: clinical testing. Allele origin: germline.
Comment: ClinVar contains an entry for this variant (Variation ID: 1475817). In summary, the available evidence is currently insufficient to determine the role of this variant in disease. Therefore, it has been classified as a Variant of Uncertain Significance. Advanced modeling of protein sequence and biophysical properties (such as structural, functional, and spatial information, amino acid conservation, physicochemical variation, residue mobility, and thermodynamic stability) performed at Invitae indicates that this missense variant is not expected to disrupt MSH6 protein function. This variant has not been reported in the literature in individuals affected with MSH6-related conditions. This variant is not present in population databases (gnomAD no frequency). This sequence change replaces leucine, which is neutral and non-polar, with serine, which is neutral and polar, at codon 655 of the MSH6 protein (p.Leu655Ser).

Ambry Genetics
Classification: Uncertain significance for Hereditary cancer-predisposing syndrome. Last evaluated: 2020-09-22. Review status: criteria provided, single submitter. Criteria: Ambry Variant Classification Scheme 2023. Collection method: clinical testing. Allele origin: germline.
Comment: The p.L655S variant (also known as c.1964T>C), located in coding exon 4 of the MSH6 gene, results from a T to C substitution at nucleotide position 1964. The leucine at codon 655 is replaced by serine, an amino acid with dissimilar properties. This amino acid position is highly conserved in available vertebrate species. In addition, the in silico prediction for this alteration is inconclusive. Since supporting evidence is limited at this time, the clinical significance of this alteration remains unclear.